The following is an entry in ClinVar:

ClinVar aggregate classification (germline): Likely benign (1 of 4 stars; one submission).

Allele frequency attached by ClinVar (database versions not stated): TOPMed 0.00033; 1000 Genomes Project 30x 0.00094; 1000 Genomes Project 0.00120; gnomAD 0.00313.
gnomAD v4.1: 1,093 of 505,014 alleles (0.22%); highest among the groups gnomAD compares: Non-Finnish European, 0.031%; 7 homozygotes.

Submission:

GeneDx
Classification: Likely benign. Last evaluated: 2018-06-16. Review status: criteria provided, single submitter. Criteria: GeneDx Variant Classification (06012015). Collection method: clinical testing. Allele origin: germline. Affected: yes.
Comment: This variant is considered likely benign or benign based on one or more of the following criteria: it is a conservative change, it occurs at a poorly conserved position in the protein, it is predicted to be benign by multiple in silico algorithms, and/or has population frequency not consistent with disease.

NM_172107.4(KCNQ2):c.1247+304C>T

Gene: KCNQ2 (potassium voltage-gated channel subfamily Q member 2; minus strand). Cytogenetic location: 20q13.33.
Variant type: single nucleotide variant.
Coding change: c.1247+304C>T on transcript NM_172107.4 (MANE Select); 304 bases into the intron after coding-DNA position 1247, C replaced by T.
Molecular consequence: intron variant.
Genome position (GRCh38, 1-based): chr20:63,423,873, G>A on the plus strand (C>T on the coding strand, the complement: KCNQ2 is on the minus strand). VCF-style: chr20-63423873-G-A. GRCh37 (hg19) VCF-style: chr20-62055226-G-A.
Other names: c.1217+304C>T (NM_004518.6); c.1247+304C>T (NM_172108.5, NM_172106.3).
Identifiers: ClinVar variation 673485 (VCV000673485.1), dbSNP rs545236920, ClinGen allele CA317441266.